The following is an entry in ClinVar:

NM_018133.4(MSL2):c.1414del (p.Ser472fs)

Gene: MSL2 (MSL complex subunit 2; minus strand). Cytogenetic location: 3q22.3.
Variant type: Deletion.
Coding change: c.1414del on transcript NM_018133.4 (MANE Select); coding-DNA position 1414, one base deleted (A; older notation c.1414delA).
Protein change: p.Ser472fs; shifts the reading frame from serine 472.
Molecular consequence: frameshift variant.
Genome position (GRCh38, 1-based): chr3:136,151,467, T deleted on the plus strand (A on the coding strand, the reverse complement: MSL2 is on the minus strand); the first of 2 consecutive T bases (chr3:136,151,467-136,151,468); deleting either gives the same sequence. VCF-style (leftmost placement, unchanged base first): chr3-136151466-CT-C. GRCh37 (hg19) VCF-style: chr3-135870308-CT-C.
Other names: c.1192del, p.Ser398fs (NM_001145417.2); short protein forms S398fs, S472fs.
Identifiers: ClinVar variation 3342489 (VCV003342489.1).

ClinVar aggregate classification (germline): Uncertain significance (1 of 4 stars; one submission).

Submission:

GeneDx
Classification: Uncertain significance. Last evaluated: 2022-04-06. Review status: criteria provided, single submitter. Criteria: GeneDx Variant Classification Process June 2021. Collection method: clinical testing. Allele origin: germline. Affected: yes.
Comment: Not observed at significant frequency in large population cohorts (gnomAD); Frameshift variant predicted to result in protein truncation as the last 106 amino acids are replaced with 19 different amino acids, although loss-of-function variants have not been reported downstream of this position in the protein; Has not been previously published as pathogenic or benign to our knowledge; Variants in candidate genes are classified as variants of uncertain significance in accordance with ACMG guidelines (Richards et al., 2015)